The following is an entry in ClinVar:

NM_001349798.2(FBXW7):c.1966T>G (p.Phe656Val)

Gene: FBXW7 (F-box and WD repeat domain containing 7; minus strand). Cytogenetic location: 4q31.3.
Variant type: single nucleotide variant.
Coding change: c.1966T>G on transcript NM_001349798.2 (MANE Select); coding-DNA position 1966, T replaced by G.
Protein change: p.Phe656Val; replaces phenylalanine 656 with valine.
Molecular consequence: missense variant.
Genome position (GRCh38, 1-based): chr4:152,323,039, A>C on the plus strand (T>G on the coding strand, the complement: FBXW7 is on the minus strand). VCF-style: chr4-152323039-A-C. GRCh37 (hg19) VCF-style: chr4-153244191-A-C.
Other names: c.1612T>G, p.Phe538Val (NM_001013415.2); c.1726T>G, p.Phe576Val (NM_018315.5); c.1966T>G, p.Phe656Val (NM_033632.3); short protein forms F538V, F576V, F656V.
Identifiers: ClinVar variation 3375672 (VCV003375672.1).

ClinVar aggregate classification (germline): Uncertain significance (1 of 4 stars; one submission).

Submission:

GeneDx
Classification: Uncertain significance. Last evaluated: 2024-05-09. Review status: criteria provided, single submitter. Criteria: GeneDx Variant Classification Process June 2021. Collection method: clinical testing. Allele origin: germline. Affected: yes.
Comment: Not observed at significant frequency in large population cohorts (gnomAD); In silico analysis supports that this missense variant has a deleterious effect on protein structure/function; Has not been previously published as pathogenic or benign to our knowledge